The following is an entry in ClinVar:

NM_001184.4(ATR):c.4496T>C (p.Ile1499Thr)

Gene: ATR (ATR checkpoint kinase; minus strand). Cytogenetic location: 3q23.
Variant type: single nucleotide variant.
Coding change: c.4496T>C on transcript NM_001184.4 (MANE Select); coding-DNA position 4496, T replaced by C.
Protein change: p.Ile1499Thr; replaces isoleucine 1499 with threonine.
Molecular consequence: missense variant.
Genome position (GRCh38, 1-based): chr3:142,515,402, A>G on the plus strand (T>C on the coding strand, the complement: ATR is on the minus strand). VCF-style: chr3-142515402-A-G. GRCh37 (hg19) VCF-style: chr3-142234244-A-G.
Other names: c.4304T>C, p.Ile1435Thr (NM_001354579.2); short protein forms I1435T, I1499T.
Identifiers: ClinVar variation 1740994 (VCV001740994.2), dbSNP rs2473231783, ClinGen allele CA354797684.

ClinVar aggregate classification (germline): Uncertain significance (1 of 4 stars; one submission).

Conditions:
Inborn genetic diseases. Identifiers: MedGen C0950123, MeSH D030342.

Allele frequency attached by ClinVar (database versions not stated): gnomAD exomes below 0.00001.
gnomAD v4.1: 2 of 1,613,838 alleles (0.00012%); highest among the groups gnomAD compares: Non-Finnish European, 0.00017%; no homozygotes.

Submission:

Ambry Genetics
Classification: Uncertain significance for Inborn genetic diseases. Last evaluated: 2022-08-22. Review status: criteria provided, single submitter. Criteria: Ambry Variant Classification Scheme 2023. Collection method: clinical testing. Allele origin: germline.
Comment: The p.I1499T variant (also known as c.4496T>C), located in coding exon 25 of the ATR gene, results from a T to C substitution at nucleotide position 4496. The isoleucine at codon 1499 is replaced by threonine, an amino acid with similar properties. This amino acid position is conserved. In addition, the in silico prediction for this alteration is inconclusive. Since supporting evidence is limited at this time, the clinical significance of this alteration remains unclear.